The following is an entry in ClinVar:

ClinVar aggregate classification (germline): Uncertain significance (1 of 4 stars; one submission).

Conditions:
Cardiovascular phenotype. Identifiers: MedGen CN230736.

gnomAD v4.1: 5 of 1,613,974 alleles (0.00031%); highest among the groups gnomAD compares: African/African-American, 0.0013%; no homozygotes.

Submission:

Ambry Genetics
Classification: Uncertain significance for Cardiovascular phenotype. Last evaluated: 2024-08-25. Review status: criteria provided, single submitter. Criteria: Ambry Variant Classification Scheme 2023. Collection method: clinical testing. Allele origin: germline.
Comment: The p.V2502L variant (also known as c.7504G>T), located in coding exon 38 of the ANK2 gene, results from a G to T substitution at nucleotide position 7504. The valine at codon 2502 is replaced by leucine, an amino acid with highly similar properties. This amino acid position is conserved. In addition, this alteration is predicted to be tolerated by in silico analysis. Based on the available evidence, the clinical significance of this variant remains unclear.

NM_001148.6(ANK2):c.7504G>T (p.Val2502Leu)

Genes: ANK2 (ankyrin 2; plus strand), LOC126807137 (CDK7 strongly-dependent group 2 enhancer GRCh37_chr4:114276560-114277759; plus strand). Cytogenetic location: 4q26.
Variant type: single nucleotide variant.
Coding change: c.7504G>T on transcript NM_001148.6 (MANE Select); coding-DNA position 7504, G replaced by T.
Protein change: p.Val2502Leu; replaces valine 2502 with leucine.
Molecular consequence: missense variant. On other transcripts: intron variant (68).
Genome position (GRCh38, 1-based): chr4:113,356,122, G>T. VCF-style: chr4-113356122-G-T. GRCh37 (hg19) VCF-style: chr4-114277278-G-T.
Other names: c.7270G>T, p.Val2424Leu (NM_001386142.1); c.3904G>T, p.Val1302Leu (NM_001386166.1); c.7645G>T, p.Val2549Leu (NM_001386174.1); c.7621G>T, p.Val2541Leu (NM_001386175.1); c.4412-4701G>T (NM_001386186.2, NM_001386148.2); c.4214-4701G>T (NM_001354269.3); c.4292-4701G>T (NM_001386187.2); c.4253-4701G>T (NM_001386147.1); and 35 more; short protein forms V1302L, V2541L, V2549L, V2424L, V2502L.
Identifiers: ClinVar variation 3539613 (VCV003539613.1).
Genomic context (GRCh38, chr4:113,356,122, plus strand): 5'-ATTTTTCCAAGTCACTTTCCTCTTCCTGCAGCTGTTGCCAAAACAGAACTCTTGACGGAA[G>T]TGGCCTCTGTGCGGTCCCGGCTACTCCGAGACCCTGATGGCAGTGCTGAGGATGACAGTC-3'
Protein context (NP_001139.3, residues 2492-2512): AVAKTELLTE[Val2502Leu]ASVRSRLLRD